The following is an entry in ClinVar:

ClinVar aggregate classification (germline): Uncertain significance (1 of 4 stars; one submission).

Submission:

GeneDx
Classification: Uncertain significance. Last evaluated: 2023-05-01. Review status: criteria provided, single submitter. Criteria: GeneDx Variant Classification Process June 2021. Collection method: clinical testing. Allele origin: germline. Affected: yes.
Comment: Not observed at significant frequency in large population cohorts (gnomAD); In silico analysis supports that this missense variant does not alter protein structure/function; Has not been previously published as pathogenic or benign to our knowledge

NM_013275.6(ANKRD11):c.1804G>C (p.Ala602Pro)

Gene: ANKRD11 (ankyrin repeat domain containing 11; minus strand). Cytogenetic location: 16q24.3.
Variant type: single nucleotide variant.
Coding change: c.1804G>C on transcript NM_013275.6 (MANE Select); coding-DNA position 1804, G replaced by C.
Protein change: p.Ala602Pro; replaces alanine 602 with proline.
Molecular consequence: missense variant.
Genome position (GRCh38, 1-based): chr16:89,284,738, C>G on the plus strand (G>C on the coding strand, the complement: ANKRD11 is on the minus strand). VCF-style: chr16-89284738-C-G. GRCh37 (hg19) VCF-style: chr16-89351146-C-G.
Other names: c.1804G>C, p.Ala602Pro (NM_001256182.2, NM_001256183.2); short protein forms A602P.
Identifiers: ClinVar variation 3343178 (VCV003343178.1).